The following is an entry in ClinVar:

ClinVar aggregate classification (germline): Benign. Review status: criteria provided, multiple submitters, no conflicts (2 of 4 stars). 12 submissions from 10 submitters: Benign (12). Last evaluated 2026-02-04.

Conditions:
Reynolds syndrome. Also called: PRIMARY BILIARY CIRRHOSIS, SCLERODERMA, RAYNAUD DISEASE, AND TELANGIECTASIA. Identifiers: Orphanet 779, MedGen C0748397, MONDO:0013276, OMIM 613471.
Pelger-Huët anomaly (PHA). Also called: Pelger-Huet Anomaly. Identifiers: MedGen C0030779, MONDO:0008214, OMIM 169400.
Greenberg dysplasia (GRBGD). Also called: CHONDRODYSTROPHY, HYDROPIC AND PRENATALLY LETHAL TYPE; HEM SKELETAL DYSPLASIA; MOTH-EATEN SKELETAL DYSPLASIA. Identifiers: Orphanet 1426, MedGen C2931048, MONDO:0008974, OMIM 215140.

Allele frequency attached by ClinVar (database versions not stated): 1000 Genomes Project 30x 0.70066; ESP Exome Variant Server 0.70329; 1000 Genomes Project 0.71226; TOPMed 0.71838; gnomAD 0.72194 and 0.72856; ExAC 0.80092; gnomAD exomes 0.82497.
gnomAD v4.1: 1,313,175 of 1,609,378 alleles (82%); highest among the groups gnomAD compares: East Asian, 96%; 543,983 homozygotes.

Submissions (12):

Labcorp Genetics (formerly Invitae), Labcorp
Classification: Benign. Last evaluated: 2026-02-04. Review status: criteria provided, single submitter. Criteria: Invitae Variant Classification Sherloc (09022015). Collection method: clinical testing. Allele origin: germline.

Blueprint Genetics
Classification: Benign. Last evaluated: 2024-11-26. Review status: criteria provided, single submitter. Criteria: ACMG Guidelines, 2015. Collection method: clinical testing. Allele origin: germline.

Genome-Nilou Lab
Classification: Benign for Reynolds syndrome. Last evaluated: 2021-08-19. Review status: criteria provided, single submitter. Criteria: ACMG Guidelines, 2015. Collection method: clinical testing. Allele origin: germline. Affected: no.

Genome-Nilou Lab
Classification: Benign for Greenberg dysplasia. Last evaluated: 2021-08-19. Review status: criteria provided, single submitter. Criteria: ACMG Guidelines, 2015. Collection method: clinical testing. Allele origin: germline. Affected: no.

Genome-Nilou Lab
Classification: Benign for Pelger-Huët anomaly. Last evaluated: 2021-08-19. Review status: criteria provided, single submitter. Criteria: ACMG Guidelines, 2015. Collection method: clinical testing. Allele origin: germline. Affected: no.

Mayo Clinic Laboratories, Mayo Clinic
Classification: Benign. Last evaluated: 2021-04-07. Review status: criteria provided, single submitter. Criteria: ACMG Guidelines, 2015. Collection method: clinical testing. Allele origin: germline. Observed: 1 variant allele.

GeneDx
Classification: Benign. Last evaluated: 2018-08-09. Review status: criteria provided, single submitter. Criteria: GeneDx Variant Classification Process June 2021. Collection method: clinical testing. Allele origin: germline. Affected: yes.

Athena Diagnostics
Classification: Benign. Last evaluated: 2018-05-06. Review status: criteria provided, single submitter. Criteria: Athena Diagnostics Criteria. Collection method: clinical testing. Allele origin: germline.

Illumina Laboratory Services, Illumina
Classification: Benign for Greenberg dysplasia. Last evaluated: 2018-01-13. Review status: criteria provided, single submitter. Criteria: ICSL Variant Classification Criteria 13 December 2019. Collection method: clinical testing. Allele origin: germline.
Comment: This variant was observed in the ICSL laboratory as part of a predisposition screen in an ostensibly healthy population. It had not been previously curated by ICSL or reported in the Human Gene Mutation Database (HGMD: prior to June 1st, 2018), and was therefore a candidate for classification through an automated scoring system. Utilizing variant allele frequency, disease prevalence and penetrance estimates, and inheritance mode, an automated score was calculated to assess if this variant is too frequent to cause the disease. Based on the score and internal cut-off values, a variant classified as benign is not then subjected to further curation. The score for this variant resulted in a classification of benign for this disease.

Laboratory for Molecular Medicine, Mass General Brigham Personalized Medicine
Classification: Benign. Last evaluated: 2016-03-28. Review status: criteria provided, single submitter. Criteria: LMM Criteria. Collection method: clinical testing. Allele origin: germline.
Comment: Variant identified in a genome or exome case(s) and assessed due to predicted null impact of the variant or pathogenic assertions in the literature or databases. Disclaimer: This variant has not undergone full assessment. The following are preliminary notes: 80% of total chromosomes in ExAC

Breakthrough Genomics
Classification: Benign. Review status: criteria provided, single submitter. Criteria: ACMG Guidelines, 2015. Collection method: not provided. Allele origin: germline. Inheritance: Autosomal recessive inheritance. Affected: yes.

PreventionGenetics, part of Exact Sciences
Classification: Benign. Review status: criteria provided, single submitter. Criteria: ACMG Guidelines, 2015. Collection method: clinical testing. Allele origin: germline.

NM_002296.4(LBR):c.461G>A (p.Ser154Asn)

Gene: LBR (lamin B receptor; minus strand). Cytogenetic location: 1q42.12.
Variant type: single nucleotide variant.
Coding change: c.461G>A on transcript NM_002296.4 (MANE Select); coding-DNA position 461, G replaced by A.
Protein change: p.Ser154Asn; replaces serine 154 with asparagine.
Molecular consequence: missense variant.
Genome position (GRCh38, 1-based): chr1:225,419,442, C>T on the plus strand (G>A on the coding strand, the complement: LBR is on the minus strand). VCF-style: chr1-225419442-C-T. GRCh37 (hg19) VCF-style: chr1-225607144-C-T.
Other names: c.461G>A, p.Ser154Asn (NM_194442.3); short protein forms S154N.
Identifiers: ClinVar variation 258619 (VCV000258619.25), dbSNP rs2230419, ClinGen allele CA1417451.